The following is an entry in ClinVar:

ClinVar aggregate classification (germline): Pathogenic. Review status: criteria provided, multiple submitters, no conflicts (2 of 4 stars). 5 submissions from 5 submitters: Pathogenic (4). 1 of the submissions does not count toward it. Last evaluated 2024-03-21.

Conditions:
Amelocerebrohypohidrotic syndrome (KTZS). Also called: EPILEPSY AND YELLOW TEETH; EPILEPSY, DEMENTIA, AND AMELOGENESIS IMPERFECTA; KOHLSCHUTTER SYNDROME; Kohlschutter's syndrome. Identifiers: Orphanet 1946, MedGen C0406740, MONDO:0009185, OMIM 226750.

Allele frequency attached by ClinVar (database versions not stated): gnomAD exomes below 0.00001; gnomAD 0.00001.

Submissions (5):

Fulgent Genetics
Classification: Pathogenic for Amelocerebrohypohidrotic syndrome. Last evaluated: 2024-03-21. Review status: criteria provided, single submitter. Criteria: ACMG Guidelines, 2015. Collection method: clinical testing. Allele origin: germline.

Women's Health and Genetics/Laboratory Corporation of America, LabCorp
Classification: Pathogenic for Amelocerebrohypohidrotic syndrome. Last evaluated: 2022-11-10. Review status: criteria provided, single submitter. Criteria: LabCorp Variant Classification Summary - May 2015. Collection method: clinical testing. Allele origin: germline.
Comment: Variant summary: ROGDI c.469C>T (p.Arg157X) results in a premature termination codon, predicted to cause a truncation of the encoded protein or absence of the protein due to nonsense mediated decay, which are commonly known mechanisms for disease. The variant was absent in 190756 control chromosomes. c.469C>T has been reported in the literature as a homozygous genotype in multiple consanguineous individuals from a Druze village in Northern Israel affected with Amelocerebrohypohidrotic Syndrome (also referred to as KohlschutterTonz Syndrome) (example, Mory_2012 subsequently cited by others). These data indicate that the variant is very likely to be associated with disease. One clinical diagnostic laboratory has submitted clinical-significance assessments for this variant to ClinVar after 2014 and classified the variant as pathogenic. Based on the evidence outlined above, the variant was classified as pathogenic.

Labcorp Genetics (formerly Invitae), Labcorp
Classification: Pathogenic for Amelocerebrohypohidrotic syndrome. Last evaluated: 2022-11-01. Review status: criteria provided, single submitter. Criteria: Invitae Variant Classification Sherloc (09022015). Collection method: clinical testing. Allele origin: germline.
Comment: For these reasons, this variant has been classified as Pathogenic. ClinVar contains an entry for this variant (Variation ID: 31229). This premature translational stop signal has been observed in individuals with Kohlschutter syndrome (PMID: 22482807, 24630287). It has also been observed to segregate with disease in related individuals. This variant is not present in population databases (gnomAD no frequency). This sequence change creates a premature translational stop signal (p.Arg157*) in the ROGDI gene. It is expected to result in an absent or disrupted protein product. Loss-of-function variants in ROGDI are known to be pathogenic (PMID: 22424600, 23086778).

Neuberg Centre For Genomic Medicine, NCGM
Classification: Pathogenic for Amelocerebrohypohidrotic syndrome. Review status: criteria provided, single submitter. Criteria: ACMG Guidelines, 2015. Collection method: clinical testing. Allele origin: germline. Affected: yes.
Comment: The stop gained p.R157* in ROGDI (NM_024589.3) has been reported previously in affected in patients from Israel (Mory A et al, 2012). The variant has been submitted to ClinVar as Pathogenic based on the same publication. The nonsense mutation would truncate a highly conserved C-terminal domain and functional study suggest deleterious effecte (Morya A et al,2012). This variant is novel (not in any individuals) in gnomAD Exomes and 1000 Genomes. This variant is predicted to cause loss of normal protein function through protein truncation. The p.R157* variant is a loss of function variant in the gene ROGDI gene. There are 5 downstream pathogenic loss of function variants, with the furthest variant being 82 residues downstream of the variant p.R157*. For these reasons, this variant has been classified as Pathogenic.

OMIM
Classification: Pathogenic for KOHLSCHUTTER-TONZ SYNDROME. Last evaluated: 2012-04-06. Review status: no assertion criteria provided. Collection method: literature only. Allele origin: germline. Not counted in ClinVar's aggregate classification.

Literature cited by the submitters: PubMed 22482807 (cited by 3 submitters); PubMed 24630287 (cited by Labcorp Genetics (formerly Invitae), Labcorp); PubMed 22424600 (cited by Labcorp Genetics (formerly Invitae), Labcorp); PubMed 23086778 (cited by Labcorp Genetics (formerly Invitae), Labcorp).

NM_024589.3(ROGDI):c.469C>T (p.Arg157Ter)

Gene: ROGDI (rogdi atypical leucine zipper; minus strand). Cytogenetic location: 16p13.3.
Variant type: single nucleotide variant.
Coding change: c.469C>T on transcript NM_024589.3 (MANE Select); coding-DNA position 469, C replaced by T.
Protein change: p.Arg157Ter; replaces arginine 157 with a stop codon.
Molecular consequence: nonsense. On other transcripts: non-coding transcript variant (1).
Genome position (GRCh38, 1-based): chr16:4,798,631, G>A on the plus strand (C>T on the coding strand, the complement: ROGDI is on the minus strand). VCF-style: chr16-4798631-G-A. GRCh37 (hg19) VCF-style: chr16-4848632-G-A.
Other names: short protein forms R157*.
Identifiers: ClinVar variation 31229 (VCV000031229.11), dbSNP rs387907146, ClinGen allele CA129778.